The following is an entry in ClinVar:

ClinVar aggregate classification (germline): Benign. Review status: criteria provided, multiple submitters, no conflicts (2 of 4 stars). 2 submissions from 2 submitters: Benign (2). Last evaluated 2023-11-12.

Allele frequency attached by ClinVar (database versions not stated): TOPMed 0.41598; 1000 Genomes Project 0.30611.

Submissions (2):

Unidad de Genómica Garrahan, Hospital de Pediatría Garrahan
Classification: Benign. Last evaluated: 2023-11-12. Review status: criteria provided, single submitter. Criteria: ACMG Guidelines, 2015. Collection method: clinical testing. Allele origin: germline. Affected: no. Observed: 53 variant alleles.
Comment: This variant is classified as Benign based on local population frequency. This variant was detected in 55% of patients studied by a panel of primary immunodeficiencies. Number of patients: 53. Only high quality variants are reported.

GeneDx
Classification: Benign. Last evaluated: 2018-11-10. Review status: criteria provided, single submitter. Criteria: GeneDx Variant Classification Process June 2021. Collection method: clinical testing. Allele origin: germline. Affected: yes.

NM_003183.6(ADAM17):c.1192-91_1192-90insTTAT

Genes: ADAM17 (ADAM metallopeptidase domain 17; minus strand), IAH1 (isoamyl acetate hydrolyzing esterase 1 (putative); plus strand). Cytogenetic location: 2p25.1.
Variant type: Insertion.
Coding change: c.1192-91_1192-90insTTAT on transcript NM_003183.6 (MANE Select); 91 bases into the intron before coding-DNA position 1192 through 90 bases into the intron before coding-DNA position 1192, TTAT inserted.
Molecular consequence: intron variant.
Genome position: GRCh38 VCF-style: chr2-9510221-C-CATAA. GRCh37 (hg19) VCF-style: chr2-9650350-C-CATAA.
Other names: c.532-91_532-90insTTAT (NM_001382777.1); c.295-91_295-90insTTAT (NM_001382778.1).
Identifiers: ClinVar variation 1227240 (VCV001227240.5), dbSNP rs35431407, ClinGen allele CA42376704.
Genomic context (GRCh38, chr2:9,510,221, plus strand): 5'-TCTCAATATCCAGCCATCACCTACTTCTGCCAGTTGGGCCTATGCTGTCTTAAATAGAGC[C>CATAA]TTATAATCAGATCAACAAGAGAATAAGAACTGCATGCTTATAATACCAGCACTTTAGGAG-3'